The following is an entry in ClinVar:

ClinVar aggregate classification (germline): Uncertain significance (1 of 4 stars; one submission).

gnomAD v4.1: 1 of 1,613,770 alleles (0.000062%); highest among the groups gnomAD compares: Non-Finnish European, 0.000085%; no homozygotes.

Submission:

Labcorp Genetics (formerly Invitae), Labcorp
Classification: Uncertain significance. Last evaluated: 2024-12-23. Review status: criteria provided, single submitter. Criteria: Invitae Variant Classification Sherloc (09022015). Collection method: clinical testing. Allele origin: germline.
Comment: This sequence change replaces phenylalanine, which is neutral and non-polar, with leucine, which is neutral and non-polar, at codon 280 of the TOP1MT protein (p.Phe280Leu). This variant is not present in population databases (gnomAD no frequency). This variant has not been reported in the literature in individuals affected with TOP1MT-related conditions. Invitae Evidence Modeling of protein sequence and biophysical properties (such as structural, functional, and spatial information, amino acid conservation, physicochemical variation, residue mobility, and thermodynamic stability) indicates that this missense variant is expected to disrupt TOP1MT protein function with a positive predictive value of 80%. In summary, the available evidence is currently insufficient to determine the role of this variant in disease. Therefore, it has been classified as a Variant of Uncertain Significance.

NM_052963.3(TOP1MT):c.840T>G (p.Phe280Leu)

Gene: TOP1MT (DNA topoisomerase I mitochondrial; minus strand). Cytogenetic location: 8q24.3.
Variant type: single nucleotide variant.
Coding change: c.840T>G on transcript NM_052963.3 (MANE Select); coding-DNA position 840, T replaced by G.
Protein change: p.Phe280Leu; replaces phenylalanine 280 with leucine.
Molecular consequence: missense variant.
Genome position (GRCh38, 1-based): chr8:143,324,119, A>C on the plus strand (T>G on the coding strand, the complement: TOP1MT is on the minus strand). VCF-style: chr8-143324119-A-C. GRCh37 (hg19) VCF-style: chr8-144406289-A-C.
Other names: c.546T>G, p.Phe182Leu (NM_001258446.1, NM_001258447.1); short protein forms F182L, F280L.
Identifiers: ClinVar variation 3625006 (VCV003625006.2).